The following is an entry in ClinVar:

NM_020699.4(GATAD2B):c.335+1G>T

Gene: GATAD2B (GATA zinc finger domain containing 2B; minus strand). Cytogenetic location: 1q21.3.
Variant type: single nucleotide variant.
Coding change: c.335+1G>T on transcript NM_020699.4 (MANE Select); the canonical splice donor site of the intron after coding-DNA position 335, G replaced by T.
Molecular consequence: splice donor variant.
Genome position (GRCh38, 1-based): chr1:153,828,012, C>A on the plus strand (G>T on the coding strand, the complement: GATAD2B is on the minus strand). VCF-style: chr1-153828012-C-A. GRCh37 (hg19) VCF-style: chr1-153800488-C-A.
Identifiers: ClinVar variation 280788 (VCV000280788.2), dbSNP rs1553189681, ClinGen allele CA10602734.

ClinVar aggregate classification (germline): Pathogenic (1 of 4 stars; one submission).

Submission:

GeneDx
Classification: Pathogenic. Last evaluated: 2016-08-18. Review status: criteria provided, single submitter. Criteria: GeneDx Variant Classification (06012015). Collection method: clinical testing. Allele origin: germline. Affected: yes.
Comment: The c.335+1G>T pathogenic variant in the GATAD2B gene has not been reported previously as a pathogenic variant nor as a benign variant, to our knowledge. This splice site variant destroys the canonical splice donor site in intron 2. It is predicted to cause abnormal gene splicing, either leading to an abnormal message that is subject to nonsense-mediated mRNA decay, or to an abnormal protein product if the message is used for protein translation. The c.335+1G>T variant was not observed in approximately 6,500 individuals of European and African American ancestry in the NHLBI Exome Sequencing Project, indicating it is not a common benign variant in these populations. We interpret c.335+1G>T as a pathogenic variant.